The following is an entry in ClinVar:

ClinVar aggregate classification (germline): Conflicting classifications of pathogenicity. Review status: criteria provided, conflicting classifications (1 of 4 stars). 2 submissions from 2 submitters: Uncertain significance (1); Likely benign (1). Last evaluated 2026-03-26.

Conditions:
PKD1-related disorder. Also called: PKD1-related condition.
Polycystic kidney disease, adult type (PKD1). Also called: Polycystic Kidney Disease 1, Autosomal Dominant; Polycystic kidney disease 1; Polycystic kidney disease 1, severe; Polycystic Kidney, Autosomal Dominant; POLYCYSTIC KIDNEY DISEASE, ADULT, TYPE I; POLYCYSTIC KIDNEY DISEASE 1 WITH OR WITHOUT POLYCYSTIC LIVER DISEASE. Identifiers: MedGen C3149841, MONDO:0008263, OMIM 173900.

gnomAD v4.1: 87 of 1,612,590 alleles (0.0054%); highest among the groups gnomAD compares: Middle Eastern, 0.049%; no homozygotes.

Submissions (3):

PreventionGenetics, part of Exact Sciences
Classification: Uncertain significance for PKD1-related condition. Last evaluated: 2026-03-26. Review status: criteria provided, single submitter. Criteria: ACMG Guidelines, 2015. Collection method: clinical testing. Allele origin: germline.
Comment: The PKD1 c.10405+9G>A variant is predicted to interfere with splicing. To our knowledge, this variant has not been reported in the literature. This variant is predicted to alter splicing based on available splicing prediction programs (SpliceAI, Jaganathan et al. 2019. PubMed ID: 30661751). However, the use of computer prediction programs is not equivalent to functional evidence. This variant is reported in 0.030% of alleles in individuals of South Asian descent in gnomAD, which is unlikely to be a primary cause of disease. Although we suspect this variant may be benign, at this time, the clinical significance of this variant is uncertain due to the absence of conclusive functional and genetic evidence.

Fulgent Genetics
Classification: Likely benign for Polycystic kidney disease, adult type. Last evaluated: 2024-02-06. Review status: criteria provided, single submitter. Criteria: ACMG Guidelines, 2015. Collection method: clinical testing. Allele origin: germline.

Dr. Peter K. Rogan Lab, Western University
No classification provided (evidence only). Condition: Uterine corpus endometrial carcinoma. Review status: no classification provided. Collection method: in vitro. Allele origin: not applicable. Functional consequence: retained intron. Not counted in ClinVar's aggregate classification.

NM_001009944.3(PKD1):c.10405+9G>A

Gene: PKD1 (polycystin 1, transient receptor potential channel interacting; minus strand). Cytogenetic location: 16p13.3.
Variant type: single nucleotide variant.
Coding change: c.10405+9G>A on transcript NM_001009944.3 (MANE Select); 9 bases into the intron after coding-DNA position 10405, G replaced by A.
Molecular consequence: intron variant.
Genome position (GRCh38, 1-based): chr16:2,097,310, C>T on the plus strand (G>A on the coding strand, the complement: PKD1 is on the minus strand). VCF-style: chr16-2097310-C-T. GRCh37 (hg19) VCF-style: chr16-2147311-C-T.
Other names: NC_000016.9:g.2147311C>T; c.10402+9G>A (NM_000296.4); c.10405+9G>A (NM_001009944.2).
Identifiers: ClinVar variation 3579024 (VCV003579024.3).
Genomic context (GRCh38, chr16:2,097,310, plus strand): 5'-ACAGGAGGCATAGGGTGGGCCCAGCTGCAAGGGTGAGCTTCAGAGCCCCCTCCTCTCACC[C>T]CAGCTCACCTGATGCTGAGAAGGATTTGGCAGGCGAGTAGGGGCTGGCCAGGGAGAAGCC-3'